The following is an entry in ClinVar:

ClinVar aggregate classification (germline): Uncertain significance (1 of 4 stars; one submission).

Conditions:
Generalized epilepsy with febrile seizures plus, type 7 (GEFSP7). Also called: GEFS+, TYPE 7. Identifiers: Orphanet 36387, MedGen C2751778, MONDO:0013470, OMIM 613863.
Neuropathy, hereditary sensory and autonomic, type 2A (HSAN2A). Also called: ACROOSTEOLYSIS, GIACCAI TYPE; ACROOSTEOLYSIS, NEUROGENIC; WNK1-Related HSAN2 (HSAN2A); HSAN IIA; MORVAN DISEASE; NEUROPATHY, CONGENITAL SENSORY. Identifiers: Orphanet 970, MedGen C2752089, MONDO:0024309, OMIM 201300.

Allele frequency attached by ClinVar (database versions not stated): gnomAD exomes below 0.00001.
gnomAD v4.1: 2 of 1,509,498 alleles (0.00013%); highest among the groups gnomAD compares: Non-Finnish European, 0.00018%; no homozygotes.

Submission:

Labcorp Genetics (formerly Invitae), Labcorp
Classification: Uncertain significance for Neuropathy, hereditary sensory and autonomic, type 2A; Generalized epilepsy with febrile seizures plus, type 7. Last evaluated: 2020-10-28. Review status: criteria provided, single submitter. Criteria: Invitae Variant Classification Sherloc (09022015). Collection method: clinical testing. Allele origin: germline.
Comment: In summary, the available evidence is currently insufficient to determine the role of this variant in disease. Therefore, it has been classified as a Variant of Uncertain Significance. Algorithms developed to predict the effect of missense changes on protein structure and function are either unavailable or do not agree on the potential impact of this missense change (SIFT: "Tolerated"; PolyPhen-2: "Probably Damaging"; Align-GVGD: "Class C0"). This variant has not been reported in the literature in individuals with SCN9A-related conditions. This variant is not present in population databases (ExAC no frequency). This sequence change replaces serine with asparagine at codon 961 of the SCN9A protein (p.Ser961Asn). The serine residue is highly conserved and there is a small physicochemical difference between serine and asparagine.

NM_001365536.1(SCN9A):c.2915G>A (p.Ser972Asn)

Genes: SCN1A-AS1 (SCN1A and SCN9A antisense RNA 1; plus strand), SCN9A (sodium voltage-gated channel alpha subunit 9; minus strand). Cytogenetic location: 2q24.3.
Variant type: single nucleotide variant.
Coding change: c.2915G>A on transcript NM_001365536.1 (MANE Select); coding-DNA position 2915, G replaced by A.
Protein change: p.Ser972Asn; replaces serine 972 with asparagine.
Molecular consequence: missense variant.
Genome position (GRCh38, 1-based): chr2:166,272,835, C>T on the plus strand (G>A on the coding strand, the complement: SCN9A is on the minus strand). VCF-style: chr2-166272835-C-T. GRCh37 (hg19) VCF-style: chr2-167129345-C-T.
Other names: c.2882G>A, p.Ser961Asn (NM_002977.4); short protein forms S961N, S972N.
Identifiers: ClinVar variation 1063931 (VCV001063931.9), dbSNP rs2106461501, ClinGen allele CA349074913.
Genomic context (GRCh38, chr2:166,272,835, plus strand): 5'-ACTGCAATCTGGAGGTTGTTTGCATCAGGGTCTTCTTCAATTGCTGTAAGATTGTCTGAA[C>T]TAAATGAGCTCAATAATAAGGCCAGAAATAGGTTTAGGACCTATATCAGGGTGGGGAGAG-3'
Protein context (NP_001352465.1, residues 962-982): LFLALLLSSF[Ser972Asn]SDNLTAIEED